The following is an entry in ClinVar:

ClinVar aggregate classification (germline): Uncertain significance. Review status: criteria provided, multiple submitters, no conflicts (2 of 4 stars). 2 submissions from 2 submitters: Uncertain significance (2). Last evaluated 2021-10-29.

Conditions:
Cardiovascular phenotype. Identifiers: MedGen CN230736.
Hypertrophic cardiomyopathy 17. Identifiers: MedGen C3151264, MONDO:0013474, OMIM 613873.
Cardiomyopathy, dilated, 2E. Identifiers: MedGen C5561970, MONDO:0030366, OMIM 619492.

Allele frequency attached by ClinVar (database versions not stated): gnomAD 0.00001; TOPMed 0.00001.
gnomAD v4.1: 11 of 1,612,904 alleles (0.00068%); highest among the groups gnomAD compares: Non-Finnish European, 0.00085%; no homozygotes.

Submissions (2):

Fulgent Genetics
Classification: Uncertain significance for Hypertrophic cardiomyopathy 17; Cardiomyopathy, dilated, 2E. Last evaluated: 2021-10-29. Review status: criteria provided, single submitter. Criteria: ACMG Guidelines, 2015. Collection method: clinical testing. Allele origin: unknown.

Ambry Genetics
Classification: Uncertain significance for Cardiovascular phenotype. Last evaluated: 2015-08-14. Review status: criteria provided, single submitter. Criteria: Ambry Variant Classification Scheme 2023. Collection method: clinical testing. Allele origin: germline.
Comment: The p.A664T variant (also known as c.1990G>A), located in coding exon 4 of the JPH2 gene, results from a G to A substitution at nucleotide position 1990. The alanine at codon 664 is replaced by threonine, an amino acid with similar properties. This variant was not reported in population based cohorts in the following databases: Database of Single Nucleotide Polymorphisms (dbSNP), NHLBI Exome Sequencing Project (ESP), and 1000 Genomes Project. In the ESP, this variant was not observed in 6503 samples (13006 alleles) with coverage at this position. This amino acid position is not well conserved in available vertebrate species. In addition, this alteration is predicted to be tolerated by in silico analysis. Since supporting evidence is limited at this time, the clinical significance of this variant remains unclear.

NM_020433.5(JPH2):c.1990G>A (p.Ala664Thr)

Gene: JPH2 (junctophilin 2; minus strand). Cytogenetic location: 20q13.12.
Variant type: single nucleotide variant.
Coding change: c.1990G>A on transcript NM_020433.5 (MANE Select); coding-DNA position 1990, G replaced by A.
Protein change: p.Ala664Thr; replaces alanine 664 with threonine.
Molecular consequence: missense variant.
Genome position (GRCh38, 1-based): chr20:44,115,685, C>T on the plus strand (G>A on the coding strand, the complement: JPH2 is on the minus strand). VCF-style: chr20-44115685-C-T. GRCh37 (hg19) VCF-style: chr20-42744325-C-T.
Other names: short protein forms A664T.
Identifiers: ClinVar variation 264222 (VCV000264222.6), dbSNP rs886039086, ClinGen allele CA10587921.